The following is an entry in ClinVar:

NM_000090.4(COL3A1):c.1087G>A (p.Gly363Ser)

Gene: COL3A1 (collagen type III alpha 1 chain; plus strand). Cytogenetic location: 2q32.2.
Variant type: single nucleotide variant.
Coding change: c.1087G>A on transcript NM_000090.4 (MANE Select); coding-DNA position 1087, G replaced by A.
Protein change: p.Gly363Ser; replaces glycine 363 with serine.
Molecular consequence: missense variant.
Genome position (GRCh38, 1-based): chr2:188,993,397, G>A. VCF-style: chr2-188993397-G-A. GRCh37 (hg19) VCF-style: chr2-189858123-G-A.
Identifiers: ClinVar variation 101196 (VCV000101196.4), dbSNP rs587779499, ClinGen allele CA004052.
Genomic context (GRCh38, chr2:188,993,397, plus strand): 5'-GACTACACAAGGTTTTACCATTAGGGTGAAGTTGGACCTGCAGGGTCTCCTGGTTCAAAT[G>A]GTGCCCCTGGACAAAGAGGAGAACCTGGACCTCAGGGACACGCTGGTGCTCAAGGTCCTC-3'
Protein context (NP_000081.2, residues 353-373): VGPAGSPGSN[Gly363Ser]APGQRGEPGP

ClinVar aggregate classification (germline): Likely pathogenic. Review status: criteria provided, single submitter (1 of 4 stars). 2 submissions from 2 submitters: Likely pathogenic (1). 1 of the submissions does not count toward it. Last evaluated 2025-07-09.

Conditions:
Ehlers-Danlos syndrome, type 4 (EDSVASC). Also called: Ehlers-Danlos syndrome vascular type; Ehlers Danlos syndrome, ecchymotic type; Ehlers Danlos syndrome, arterial type; Ehlers Danlos syndrome, Sack-Barabas type; Ehlers-Danlos Syndrome Type IV. Identifiers: Orphanet 286, MedGen C0268338, MONDO:0017314, OMIM 130050.

Submissions (2):

Labcorp Genetics (formerly Invitae), Labcorp
Classification: Likely pathogenic for Ehlers-Danlos syndrome, type 4. Last evaluated: 2025-07-09. Review status: criteria provided, single submitter. Criteria: Invitae Variant Classification Sherloc (09022015). Collection method: clinical testing. Allele origin: germline.
Comment: This sequence change replaces glycine, which is neutral and non-polar, with serine, which is neutral and polar, at codon 363 of the COL3A1 protein (p.Gly363Ser). This variant is not present in population databases (gnomAD no frequency). This missense change has been observed in individual(s) with COL3A1-related conditions (PMID: 24922459). ClinVar contains an entry for this variant (Variation ID: 101196). Invitae Evidence Modeling of protein sequence and biophysical properties (such as structural, functional, and spatial information, amino acid conservation, physicochemical variation, residue mobility, and thermodynamic stability) indicates that this missense variant is expected to disrupt COL3A1 protein function with a positive predictive value of 95%. This variant disrupts the triple helix domain of COL3A1. Glycine residues within the Gly-Xaa-Yaa repeats of the triple helix domain are required for the structure and stability of fibrillar collagens (PMID: 7695699, 8218237, 19344236). In COL3A1, variants that affect these glycine residues are significantly enriched in individuals with disease (PMID: 24922459, 25758994) compared to the general population (ExAC). In summary, the currently available evidence indicates that the variant is pathogenic, but additional data are needed to prove that conclusively. Therefore, this variant has been classified as Likely Pathogenic.

Collagen Diagnostic Laboratory, University of Washington
Classification: Pathogenic for Ehlers-Danlos syndrome, type 4. Review status: no assertion criteria provided. Collection method: clinical testing. Allele origin: germline. Affected: yes. Not counted in ClinVar's aggregate classification.

Literature cited by the submitters: PubMed 24922459 (cited by Labcorp Genetics (formerly Invitae), Labcorp); PubMed 7695699 (cited by Labcorp Genetics (formerly Invitae), Labcorp); PubMed 8218237 (cited by Labcorp Genetics (formerly Invitae), Labcorp); PubMed 19344236 (cited by Labcorp Genetics (formerly Invitae), Labcorp); PubMed 25758994 (cited by Labcorp Genetics (formerly Invitae), Labcorp).